The following is an entry in ClinVar:

ClinVar aggregate classification (germline): Conflicting classifications of pathogenicity. Review status: criteria provided, conflicting classifications (1 of 4 stars). 6 submissions from 6 submitters: Uncertain significance (1); Likely benign (4). 1 of the submissions does not count toward it. Last evaluated 2026-01-21.

Conditions:
Maturity-onset diabetes of the young type 11. Identifiers: Orphanet 552, MedGen C3150618, MONDO:0013242, OMIM 613375.
BLK-related disorder. Also called: BLK-related condition.

Allele frequency attached by ClinVar (database versions not stated): TOPMed 0.00055; ESP Exome Variant Server 0.00100.
gnomAD v4.1: 1,605 of 1,613,052 alleles (0.1%); highest among the groups gnomAD compares: Non-Finnish European, 0.13%; no homozygotes.

Submissions (6):

Labcorp Genetics (formerly Invitae), Labcorp
Classification: Likely benign. Last evaluated: 2026-01-21. Review status: criteria provided, single submitter. Criteria: Invitae Variant Classification Sherloc (09022015). Collection method: clinical testing. Allele origin: germline.

Blueprint Genetics
Classification: Likely benign. Last evaluated: 2024-10-16. Review status: criteria provided, single submitter. Criteria: ACMG Guidelines, 2015. Collection method: clinical testing. Allele origin: germline.

CeGaT Center for Human Genetics Tuebingen
Classification: Likely benign. Last evaluated: 2024-02-01. Review status: criteria provided, single submitter. Criteria: CeGaT Center For Human Genetics Tuebingen Variant Classification Criteria Version 2. Collection method: clinical testing. Allele origin: germline. Affected: yes. Observed: 1 variant allele.
Comment: BLK: BP4, BS1

GeneDx
Classification: Uncertain significance. Last evaluated: 2021-09-13. Review status: criteria provided, single submitter. Criteria: GeneDx Variant Classification Process June 2021. Collection method: clinical testing. Allele origin: germline. Affected: yes.
Comment: In-silico analysis, which includes splice predictors and evolutionary conservation, is inconclusive as to whether the variant alters gene splicing. In the absence of RNA/functional studies, the actual effect of this sequence change is unknown.; Has not been previously published as pathogenic or benign to our knowledge

Illumina Laboratory Services, Illumina
Classification: Likely benign for Maturity-onset diabetes of the young type 11. Last evaluated: 2018-01-12. Review status: criteria provided, single submitter. Criteria: ICSL Variant Classification Criteria 13 December 2019. Collection method: clinical testing. Allele origin: germline.
Comment: This variant was observed in the ICSL laboratory as part of a predisposition screen in an ostensibly healthy population. It had not been previously curated by ICSL or reported in the Human Gene Mutation Database (HGMD: prior to June 1st, 2018), and was therefore a candidate for classification through an automated scoring system. Utilizing variant allele frequency, disease prevalence and penetrance estimates, and inheritance mode, an automated score was calculated to assess if this variant is too frequent to cause the disease. Based on the score and internal cut-off values, a variant classified as likely benign is not then subjected to further curation. The score for this variant resulted in a classification of likely benign for this disease.

PreventionGenetics, part of Exact Sciences
Classification: Likely benign for BLK-related condition. Last evaluated: 2020-12-19. Review status: no assertion criteria provided. Collection method: clinical testing. Allele origin: germline. Not counted in ClinVar's aggregate classification.
Comment: This variant is classified as likely benign based on ACMG/AMP sequence variant interpretation guidelines (Richards et al. 2015 PMID: 25741868, with internal and published modifications).

NM_001715.3(BLK):c.473-7C>G

Genes: BLK (BLK proto-oncogene, Src family tyrosine kinase), BLK-AS1 (BLK antisense RNA 1). Cytogenetic location: 8p23.1.
Variant type: single nucleotide variant.
Coding change: c.473-7C>G on transcript NM_001715.3 (MANE Select); 7 bases into the intron before coding-DNA position 473, C replaced by G.
Molecular consequence: intron variant.
Genome position (GRCh38, 1-based): chr8:11,554,736, C>G. VCF-style: chr8-11554736-C-G. GRCh37 (hg19) VCF-style: chr8-11412245-C-G.
Other names: c.260-7C>G (NM_001330465.2).
Identifiers: ClinVar variation 712998 (VCV000712998.37), dbSNP rs200091252, ClinGen allele CA4629928.
Genomic context (GRCh38, chr8:11,554,736, plus strand): 5'-CCAAATCCCAGTCCCGTTTTTTGTCTTTGTGCCTTACTTCTCGTGTGTGTCTTCATGAAC[C>G]CTCCAGGTGCCTTCTCCCTGTCTGTGAAGGATGTCACCACCCAGGGGGAGCTGATCAAGC-3'